The following is an entry in ClinVar:

ClinVar aggregate classification (germline): Uncertain significance (1 of 4 stars; one submission).

Allele frequency attached by ClinVar (database versions not stated): gnomAD exomes below 0.00001; TOPMed below 0.00001; ExAC 0.00001; gnomAD 0.00001.
gnomAD v4.1: 7 of 1,613,936 alleles (0.00043%); highest among the groups gnomAD compares: Non-Finnish European, 0.00059%; no homozygotes.

Submission:

Labcorp Genetics (formerly Invitae), Labcorp
Classification: Uncertain significance. Last evaluated: 2024-04-11. Review status: criteria provided, single submitter. Criteria: Invitae Variant Classification Sherloc (09022015). Collection method: clinical testing. Allele origin: germline.
Comment: This sequence change replaces arginine, which is basic and polar, with glutamine, which is neutral and polar, at codon 270 of the KLC2 protein (p.Arg270Gln). This variant is present in population databases (rs745487189, gnomAD 0.0008%). This variant has not been reported in the literature in individuals affected with KLC2-related conditions. An algorithm developed to predict the effect of missense changes on protein structure and function (PolyPhen-2) suggests that this variant is likely to be disruptive. In summary, the available evidence is currently insufficient to determine the role of this variant in disease. Therefore, it has been classified as a Variant of Uncertain Significance.

NM_001318734.2(KLC2):c.809G>A (p.Arg270Gln)

Genes: KLC2 (kinesin light chain 2; plus strand), KLC2-AS1 (KLC2 antisense RNA 1; minus strand). Cytogenetic location: 11q13.2.
Variant type: single nucleotide variant.
Coding change: c.809G>A on transcript NM_001318734.2 (MANE Select); coding-DNA position 809, G replaced by A.
Protein change: p.Arg270Gln; replaces arginine 270 with glutamine.
Molecular consequence: missense variant. On other transcripts: non-coding transcript variant (1).
Genome position (GRCh38, 1-based): chr11:66,263,716, G>A. VCF-style: chr11-66263716-G-A. GRCh37 (hg19) VCF-style: chr11-66031187-G-A.
Other names: c.578G>A, p.Arg193Gln (NM_001134774.2); c.809G>A, p.Arg270Gln (NM_001134775.2, NM_001134776.2, NM_022822.3); short protein forms R193Q, R270Q.
Identifiers: ClinVar variation 2962330 (VCV002962330.3), dbSNP rs745487189, ClinGen allele CA6117197.